The following is an entry in ClinVar:

NM_032237.5(POMK):c.553T>C (p.Tyr185His)

Gene: POMK (protein O-mannose kinase; plus strand). Cytogenetic location: 8p11.21.
Variant type: single nucleotide variant.
Coding change: c.553T>C on transcript NM_032237.5 (MANE Select); coding-DNA position 553, T replaced by C.
Protein change: p.Tyr185His; replaces tyrosine 185 with histidine.
Molecular consequence: missense variant.
Genome position (GRCh38, 1-based): chr8:43,122,377, T>C. VCF-style: chr8-43122377-T-C. GRCh37 (hg19) VCF-style: chr8-42977520-T-C.
Other names: c.553T>C, p.Tyr185His (NM_001277971.2); short protein forms Y185H.
Identifiers: ClinVar variation 2936124 (VCV002936124.3), dbSNP rs112727660, ClinGen allele CA176080001.

ClinVar aggregate classification (germline): Uncertain significance (1 of 4 stars; one submission).

Conditions:
Limb-girdle muscular dystrophy due to POMK deficiency. Also called: MUSCULAR DYSTROPHY-DYSTROGLYCANOPATHY, LIMB-GIRDLE, POMK-RELATED; Muscular dystrophy-dystroglycanopathy (limb-girdle), type c, 12. Identifiers: Orphanet 445110, MedGen C4015184, MONDO:0014489, OMIM 616094.
Muscular dystrophy-dystroglycanopathy (congenital with brain and eye anomalies), type a, 12 (MDDGA12). Also called: WALKER-WARBURG SYNDROME OR MUSCLE-EYE-BRAIN DISEASE, POMK-RELATED. Identifiers: Orphanet 899, MedGen C3808964, MONDO:0014101, OMIM 615249.

Allele frequency attached by ClinVar (database versions not stated): gnomAD exomes below 0.00001; TOPMed 0.00001; ESP Exome Variant Server 0.00008.
gnomAD v4.1: 4 of 1,614,222 alleles (0.00025%); highest among the groups gnomAD compares: Non-Finnish European, 0.00025%; no homozygotes.

Submission:

Labcorp Genetics (formerly Invitae), Labcorp
Classification: Uncertain significance for Muscular dystrophy-dystroglycanopathy (congenital with brain and eye anomalies), type a, 12; Limb-girdle muscular dystrophy due to POMK deficiency. Last evaluated: 2023-08-03. Review status: criteria provided, single submitter. Criteria: Invitae Variant Classification Sherloc (09022015). Collection method: clinical testing. Allele origin: germline.
Comment: Advanced modeling of protein sequence and biophysical properties (such as structural, functional, and spatial information, amino acid conservation, physicochemical variation, residue mobility, and thermodynamic stability) has been performed at Invitae for this missense variant, however the output from this modeling did not meet the statistical confidence thresholds required to predict the impact of this variant on POMK protein function. In summary, the available evidence is currently insufficient to determine the role of this variant in disease. Therefore, it has been classified as a Variant of Uncertain Significance. This sequence change replaces tyrosine, which is neutral and polar, with histidine, which is basic and polar, at codon 185 of the POMK protein (p.Tyr185His). This variant is not present in population databases (gnomAD no frequency). This variant has not been reported in the literature in individuals affected with POMK-related conditions.